The following is an entry in ClinVar:

NM_002878.4(RAD51D):c.382del (p.Leu128fs)

Genes: RAD51D (RAD51 paralog D; minus strand), RAD51L3-RFFL (RAD51L3-RFFL readthrough; minus strand). Cytogenetic location: 17q12.
Variant type: Deletion.
Coding change: c.382del on transcript NM_002878.4 (MANE Select); coding-DNA position 382, one base deleted (C; older notation c.382delC).
Protein change: p.Leu128fs; shifts the reading frame from leucine 128.
Molecular consequence: frameshift variant. On other transcripts: non-coding transcript variant (1), intron variant (1).
Genome position (GRCh38, 1-based): chr17:35,107,086, G deleted on the plus strand (C on the coding strand, the reverse complement: RAD51D is on the minus strand); the first of 2 consecutive G bases (chr17:35,107,086-35,107,087); deleting either gives the same sequence. VCF-style (leftmost placement, unchanged base first): chr17-35107085-AG-A. GRCh37 (hg19) VCF-style: chr17-33434104-AG-A.
Other names: c.442del, p.Leu148fs (NM_001142571.2); c.145-605del (NM_133629.3); c.382delC (NM_002878.3); short protein forms L148fs, L128fs.
Identifiers: ClinVar variation 1735332 (VCV001735332.2), dbSNP rs2142433535, ClinGen allele CA2580093200.

ClinVar aggregate classification (germline): Pathogenic (1 of 4 stars; one submission).

Conditions:
Hereditary cancer-predisposing syndrome. Also called: Neoplastic Syndromes, Hereditary; Tumor predisposition; Hereditary Cancer Syndrome; Hereditary neoplastic syndrome. Identifiers: Orphanet 140162, MedGen C0027672, MeSH D009386, MONDO:0015356.

Submission:

Ambry Genetics
Classification: Pathogenic for Hereditary cancer-predisposing syndrome. Last evaluated: 2022-09-30. Review status: criteria provided, single submitter. Criteria: Ambry Variant Classification Scheme 2023. Collection method: clinical testing. Allele origin: germline.
Comment: The c.382delC pathogenic mutation, located in coding exon 5 of the RAD51D gene, results from a deletion of one nucleotide at nucleotide position 382, causing a translational frameshift with a predicted alternate stop codon (p.L128Cfs*8). This alteration is expected to result in loss of function by premature protein truncation or nonsense-mediated mRNA decay. As such, this alteration is interpreted as a disease-causing mutation.